The following is an entry in ClinVar:

ClinVar aggregate classification (germline): Pathogenic/Likely pathogenic. Review status: criteria provided, multiple submitters, no conflicts (2 of 4 stars). 3 submissions from 3 submitters: Pathogenic (2); Likely pathogenic (1). Last evaluated 2025-10-05.

Conditions:
Glycine encephalopathy. Also called: Nonketotic hyperglycinemia; Non-ketotic hyperglycinemia. Identifiers: Orphanet 407, MedGen C0751748, MONDO:0011612, HP:0008288.
Glycine encephalopathy 1 (GCE1). Identifiers: MedGen CN376801, MONDO:0958179, OMIM 605899.

Submissions (3):

Natera, Inc.
Classification: Likely pathogenic for Non-ketotic hyperglycinemia. Last evaluated: 2025-10-05. Review status: criteria provided, single submitter. Criteria: Natera Variant Classification Schema (03/2026). Collection method: clinical testing. Allele origin: germline.
Comment: The c.322G>T variant in GLDC is a nonsense variant predicted to introduce a stop codon at amino acid 108. This variant is expected to result in nonsense mediated decay, truncation, or a dysfunctional protein product. This variant is rare in the general population with a frequency below the threshold expected for the associated phenotype(s). Given the available evidence, this variant is classified as Likely Pathogenic.

Myriad Genetics, Inc.
Classification: Pathogenic for Glycine encephalopathy 1. Last evaluated: 2023-11-28. Review status: criteria provided, single submitter. Criteria: Myriad Autosomal Dominant, Autosomal Recessive and X-Linked Classification Criteria (2023). Collection method: clinical testing. Allele origin: unknown.
Comment: NM_000170.2(GLDC):c.322G>T(E108*) is expected to be pathogenic in the context of glycine encephalopathy, GLDC-related. This variant is predicted to lead to an abnormal or absent protein product due to the creation of a premature termination codon in GLDC, a gene where loss-of-function variants are known to be pathogenic. Please note: this variant was assessed in the context of healthy population screening.

Labcorp Genetics (formerly Invitae), Labcorp
Classification: Pathogenic for Glycine encephalopathy. Last evaluated: 2021-05-05. Review status: criteria provided, single submitter. Criteria: Invitae Variant Classification Sherloc (09022015). Collection method: clinical testing. Allele origin: germline.
Comment: For these reasons, this variant has been classified as Pathogenic. Algorithms developed to predict the effect of sequence changes on RNA splicing suggest that this variant may create or strengthen a splice site, but this prediction has not been confirmed by published transcriptional studies. This variant has not been reported in the literature in individuals with GLDC-related conditions. This variant is not present in population databases (ExAC no frequency). This sequence change creates a premature translational stop signal (p.Glu108*) in the GLDC gene. It is expected to result in an absent or disrupted protein product. Loss-of-function variants in GLDC are known to be pathogenic (PMID: 16601880).

Literature cited by the submitters: PubMed 16601880 (cited by Labcorp Genetics (formerly Invitae), Labcorp).

NM_000170.3(GLDC):c.322G>T (p.Glu108Ter)

Gene: GLDC (glycine decarboxylase; minus strand). Cytogenetic location: 9p24.1.
Variant type: single nucleotide variant.
Coding change: c.322G>T on transcript NM_000170.3 (MANE Select); coding-DNA position 322, G replaced by T.
Protein change: p.Glu108Ter; replaces glutamic acid 108 with a stop codon.
Molecular consequence: nonsense.
Genome position (GRCh38, 1-based): chr9:6,644,626, C>A on the plus strand (G>T on the coding strand, the complement: GLDC is on the minus strand). VCF-style: chr9-6644626-C-A. GRCh37 (hg19) VCF-style: chr9-6644626-C-A.
Other names: c.322G>T (NM_000170.2); short protein forms E108*.
Identifiers: ClinVar variation 1446006 (VCV001446006.8), dbSNP rs2130029228, ClinGen allele CA372885560.